The following is an entry in ClinVar:

NM_213599.3(ANO5):c.2102A>G (p.Asn701Ser)

Gene: ANO5 (anoctamin 5; plus strand). Cytogenetic location: 11p14.3.
Variant type: single nucleotide variant.
Coding change: c.2102A>G on transcript NM_213599.3 (MANE Select); coding-DNA position 2102, A replaced by G.
Protein change: p.Asn701Ser; replaces asparagine 701 with serine.
Molecular consequence: missense variant.
Genome position (GRCh38, 1-based): chr11:22,272,856, A>G. VCF-style: chr11-22272856-A-G. GRCh37 (hg19) VCF-style: chr11-22294402-A-G.
Other names: c.2099A>G, p.Asn700Ser (NM_001142649.2); c.2060A>G, p.Asn687Ser (NM_001410963.1); c.2057A>G, p.Asn686Ser (NM_001410964.1); short protein forms N686S, N687S, N700S, N701S.
Identifiers: ClinVar variation 3763484 (VCV003763484.3).

ClinVar aggregate classification (germline): Uncertain significance. Review status: criteria provided, multiple submitters, no conflicts (2 of 4 stars). 2 submissions from 2 submitters: Uncertain significance (2). Last evaluated 2025-06-05.

Conditions:
Autosomal recessive limb-girdle muscular dystrophy type 2L (LGMDR12). Also called: MUSCULAR DYSTROPHY, LIMB-GIRDLE, AUTOSOMAL RECESSIVE 12; Limb-Girdle Muscular Dystrophy R12 Anoctamin-5-Related (LGMD-R12); Limb-girdle muscular dystrophy, type 2L. Identifiers: Orphanet 206549, MedGen C1969785, MONDO:0012652, OMIM 611307.
Gnathodiaphyseal dysplasia (GDD). Also called: GNATHODIAPHYSEAL SCLEROSIS; OSTEOGENESIS IMPERFECTA WITH UNUSUAL SKELETAL LESIONS. Identifiers: Orphanet 53697, MedGen C1833736, MONDO:0008151, OMIM 166260.

gnomAD v4.1: 33 of 1,613,974 alleles (0.002%); highest among the groups gnomAD compares: South Asian, 0.036%; 1 homozygote.

Submissions (2):

Revvity Omics, Revvity
Classification: Uncertain significance. Last evaluated: 2025-06-05. Review status: criteria provided, single submitter. Criteria: ACMG Guidelines, 2015. Collection method: clinical testing. Allele origin: germline.

Labcorp Genetics (formerly Invitae), Labcorp
Classification: Uncertain significance for Autosomal recessive limb-girdle muscular dystrophy type 2L; Gnathodiaphyseal dysplasia. Last evaluated: 2024-12-16. Review status: criteria provided, single submitter. Criteria: Invitae Variant Classification Sherloc (09022015). Collection method: clinical testing. Allele origin: germline.
Comment: This sequence change replaces asparagine, which is neutral and polar, with serine, which is neutral and polar, at codon 701 of the ANO5 protein (p.Asn701Ser). This variant is present in population databases (rs775918204, gnomAD 0.03%). This variant has not been reported in the literature in individuals affected with ANO5-related conditions. Invitae Evidence Modeling of protein sequence and biophysical properties (such as structural, functional, and spatial information, amino acid conservation, physicochemical variation, residue mobility, and thermodynamic stability) has been performed for this missense variant. However, the output from this modeling did not meet the statistical confidence thresholds required to predict the impact of this variant on ANO5 protein function. In summary, the available evidence is currently insufficient to determine the role of this variant in disease. Therefore, it has been classified as a Variant of Uncertain Significance.